The following is an entry in ClinVar:

ClinVar aggregate classification (germline): Uncertain significance (1 of 4 stars; one submission).

Allele frequency attached by ClinVar (database versions not stated): gnomAD exomes below 0.00001.
gnomAD v4.1: 1 of 1,614,140 alleles (0.000062%); highest among the groups gnomAD compares: Non-Finnish European, 0.000085%; no homozygotes.

Submission:

Labcorp Genetics (formerly Invitae), Labcorp
Classification: Uncertain significance. Last evaluated: 2024-01-22. Review status: criteria provided, single submitter. Criteria: Invitae Variant Classification Sherloc (09022015). Collection method: clinical testing. Allele origin: germline.
Comment: This sequence change affects codon 160 of the COX15 mRNA. It is a 'silent' change, meaning that it does not change the encoded amino acid sequence of the COX15 protein. This variant is present in population databases (no rsID available, gnomAD 0.0009%). This variant has not been reported in the literature in individuals affected with COX15-related conditions. ClinVar contains an entry for this variant (Variation ID: 2134143). Algorithms developed to predict the effect of sequence changes on RNA splicing suggest that this variant may disrupt the consensus splice site. In summary, the available evidence is currently insufficient to determine the role of this variant in disease. Therefore, it has been classified as a Variant of Uncertain Significance.

NM_078470.6(COX15):c.480C>T (p.Gly160=)

Gene: COX15 (cytochrome c oxidase assembly homolog COX15; minus strand). Cytogenetic location: 10q24.2.
Variant type: single nucleotide variant.
Coding change: c.480C>T on transcript NM_078470.6 (MANE Select); coding-DNA position 480, C replaced by T.
Protein change: p.Gly160=; no amino-acid change (glycine 160 retained).
Molecular consequence: synonymous variant. On other transcripts: 5 prime UTR variant (1), non-coding transcript variant (1).
Genome position (GRCh38, 1-based): chr10:99,727,070, G>A on the plus strand (C>T on the coding strand, the complement: COX15 is on the minus strand). VCF-style: chr10-99727070-G-A. GRCh37 (hg19) VCF-style: chr10-101486827-G-A.
Other names: c.480C>T, p.Gly160= (NM_001320974.2, NM_001320975.2, NM_001372024.1 and 5 more transcripts); c.-58C>T (NM_001320976.2).
Identifiers: ClinVar variation 2134143 (VCV002134143.2), dbSNP rs1406526618, ClinGen allele CA471122781.
Genomic context (GRCh38, chr10:99,727,070, plus strand): 5'-CATGCCACGGCTGAGCCAGCCCTTTCTCCAAAAGTAGGCAGCAGGCAGGATGTACACAAG[G>A]CCTACAAGGCGACCCCACATTCGGTGTGAGTACTCCATGTACCAGATGAACTTGAATTCT-3'
Protein context (NP_510870.1, residues 150-170): YSHRMWGRLV[Gly160=]LVYILPAAYF